The following is an entry in ClinVar:

ClinVar aggregate classification (germline): Likely benign. Review status: criteria provided, multiple submitters, no conflicts (2 of 4 stars). 8 submissions from 8 submitters: Likely benign (7). 1 of the submissions does not count toward it. Last evaluated 2026-01-25.

Conditions:
Dyskeratosis congenita, autosomal recessive 5 (DKCB5). Identifiers: MedGen C3554656, MONDO:0014076, OMIM 615190.
Pulmonary fibrosis and/or bone marrow failure, Telomere-related, 3. Also called: PULMONARY FIBROSIS AND/OR BONE MARROW FAILURE SYNDROME, TELOMERE-RELATED, 3. Identifiers: Orphanet 2032, MedGen C4225346, MONDO:0014613, OMIM 616373.
Inborn genetic diseases. Identifiers: MedGen C0950123, MeSH D030342.
Dyskeratosis congenita. Identifiers: Orphanet 1775, MedGen C0265965, MONDO:0015780.
Dyskeratosis congenita, autosomal dominant 1 (DKCA1). Also called: Dyskeratosis congenita Scoggins type. Identifiers: Orphanet 1775, MedGen C4551974, MONDO:0007485, OMIM 127550. Inheritance: Variable.

Allele frequency attached by ClinVar (database versions not stated): gnomAD exomes 0.00037 and 0.00047; TOPMed 0.00041; gnomAD 0.00050 and 0.00051; ESP Exome Variant Server 0.00054; ExAC 0.00062.
gnomAD v4.1: 614 of 1,612,582 alleles (0.038%); highest among the groups gnomAD compares: Non-Finnish European, 0.044%; 2 homozygotes.

Submissions (8):

Labcorp Genetics (formerly Invitae), Labcorp
Classification: Likely benign for Dyskeratosis congenita, autosomal recessive 5; Pulmonary fibrosis and/or bone marrow failure, Telomere-related, 3. Last evaluated: 2026-01-25. Review status: criteria provided, single submitter. Criteria: Invitae Variant Classification Sherloc (09022015). Collection method: clinical testing. Allele origin: germline.

CeGaT Center for Human Genetics Tuebingen
Classification: Likely benign. Last evaluated: 2025-04-01. Review status: criteria provided, single submitter. Criteria: CeGaT Center For Human Genetics Tuebingen Variant Classification Criteria Version 2. Collection method: clinical testing. Allele origin: germline. Affected: yes. Observed: 8 variant alleles.
Comment: RTEL1: BP4, BP7

Laboratory of Genetics, Children's Clinical University Hospital Latvia
Classification: Likely benign. Last evaluated: 2025-02-16. Review status: criteria provided, single submitter. Criteria: ACMG Guidelines, 2015. Collection method: clinical testing. Allele origin: germline. Affected: yes.

Blueprint Genetics
Classification: Likely benign. Last evaluated: 2024-11-26. Review status: criteria provided, single submitter. Criteria: ACMG Guidelines, 2015. Collection method: clinical testing. Allele origin: germline.

Ambry Genetics
Classification: Likely benign for Inborn genetic diseases. Last evaluated: 2023-09-18. Review status: criteria provided, single submitter. Criteria: Ambry Variant Classification Scheme 2023. Collection method: clinical testing. Allele origin: germline.

Sema4
Classification: Likely benign for Dyskeratosis congenita. Last evaluated: 2021-05-18. Review status: criteria provided, single submitter. Criteria: Sema4 Curation Guidelines. Collection method: curation. Allele origin: germline.

Genetic Services Laboratory, University of Chicago
Classification: Likely benign. Last evaluated: 2019-12-09. Review status: criteria provided, single submitter. Criteria: ACMG Guidelines, 2015. Collection method: clinical testing. Allele origin: germline. Affected: no.

Natera, Inc.
Classification: Uncertain significance for Autosomal dominant dyskeratosis congenita. Last evaluated: 2020-06-05. Review status: no assertion criteria provided. Collection method: clinical testing. Allele origin: germline. Not counted in ClinVar's aggregate classification.

NM_001283009.2(RTEL1):c.973C>T (p.Leu325=)

Genes: RTEL1 (regulator of telomere elongation helicase 1; plus strand), RTEL1-TNFRSF6B (RTEL1-TNFRSF6B readthrough (NMD candidate); plus strand). Cytogenetic location: 20q13.33.
Variant type: single nucleotide variant.
Coding change: c.973C>T on transcript NM_001283009.2 (MANE Select); coding-DNA position 973, C replaced by T.
Protein change: p.Leu325=; no amino-acid change (leucine 325 retained).
Molecular consequence: synonymous variant. On other transcripts: non-coding transcript variant (1).
Genome position (GRCh38, 1-based): chr20:63,678,282, C>T. VCF-style: chr20-63678282-C-T. GRCh37 (hg19) VCF-style: chr20-62309635-C-T.
Other names: c.304C>T, p.Leu102= (NM_001283010.1); c.973C>T, p.Leu325= (NM_016434.4); c.1045C>T, p.Leu349= (NM_032957.5).
Identifiers: ClinVar variation 436563 (VCV000436563.45), dbSNP rs142739953, ClinGen allele CA9964549.